The following is an entry in ClinVar:

NM_019040.5(ELP4):c.848A>C (p.Lys283Thr)

Gene: ELP4 (elongator acetyltransferase complex subunit 4; plus strand). Cytogenetic location: 11p13.
Variant type: single nucleotide variant.
Coding change: c.848A>C on transcript NM_019040.5 (MANE Select); coding-DNA position 848, A replaced by C.
Protein change: p.Lys283Thr; replaces lysine 283 with threonine.
Molecular consequence: missense variant.
Genome position (GRCh38, 1-based): chr11:31,632,326, A>C. VCF-style: chr11-31632326-A-C. GRCh37 (hg19) VCF-style: chr11-31653873-A-C.
Other names: c.848A>C (NM_019040.3); c.851A>C, p.Lys284Thr (NM_001288725.2); c.848A>C, p.Lys283Thr (NM_001288726.2); short protein forms K283T, K284T.
Identifiers: ClinVar variation 1954898 (VCV001954898.6), dbSNP rs775754434, ClinGen allele CA5933385.
Genomic context (GRCh38, chr11:31,632,326, plus strand): 5'-CTTTATGGGGAGACGATATTTGCTGTGCAGAAAATGGTGGCAACAGTCACAGCCTTACCA[A>C]GTTCCTCTATGTTCTCCGTGGTCTTCTGAGAACCTCTCTTTCAGCCTGCATCATCACAAT-3'
Protein context (NP_061913.3, residues 273-293): ENGGNSHSLT[Lys283Thr]FLYVLRGLLR

ClinVar aggregate classification (germline): Uncertain significance. Review status: criteria provided, multiple submitters, no conflicts (2 of 4 stars). 2 submissions from 2 submitters: Uncertain significance (2). Last evaluated 2025-04-11.

Allele frequency attached by ClinVar (database versions not stated): ExAC 0.00001.
gnomAD v4.1: 4 of 1,613,534 alleles (0.00025%); highest among the groups gnomAD compares: Admixed American, 0.0067%; no homozygotes.

Submissions (2):

Ambry Genetics
Classification: Uncertain significance. Last evaluated: 2025-04-11. Review status: criteria provided, single submitter. Criteria: Ambry Variant Classification Scheme 2023. Collection method: clinical testing. Allele origin: germline.

Labcorp Genetics (formerly Invitae), Labcorp
Classification: Uncertain significance. Last evaluated: 2022-07-23. Review status: criteria provided, single submitter. Criteria: Invitae Variant Classification Sherloc (09022015). Collection method: clinical testing. Allele origin: germline.
Comment: In summary, the available evidence is currently insufficient to determine the role of this variant in disease. Therefore, it has been classified as a Variant of Uncertain Significance. Algorithms developed to predict the effect of missense changes on protein structure and function (SIFT, PolyPhen-2, Align-GVGD) all suggest that this variant is likely to be tolerated. This variant has not been reported in the literature in individuals affected with ELP4-related conditions. This variant is present in population databases (rs775754434, gnomAD 0.009%). This sequence change replaces lysine, which is basic and polar, with threonine, which is neutral and polar, at codon 283 of the ELP4 protein (p.Lys283Thr).